The following is an entry in ClinVar:

NM_017636.4(TRPM4):c.2754C>G (p.Pro918=)

Gene: TRPM4 (transient receptor potential cation channel subfamily M member 4; plus strand). Cytogenetic location: 19q13.33.
Variant type: single nucleotide variant.
Coding change: c.2754C>G on transcript NM_017636.4 (MANE Select); coding-DNA position 2754, C replaced by G.
Protein change: p.Pro918=; no amino-acid change (proline 918 retained).
Molecular consequence: synonymous variant.
Genome position (GRCh38, 1-based): chr19:49,200,408, C>G. VCF-style: chr19-49200408-C-G. GRCh37 (hg19) VCF-style: chr19-49703665-C-G.
Other names: c.2319C>G, p.Pro773= (NM_001195227.2); c.2409C>G, p.Pro803= (NM_001321281.2); c.1146C>G, p.Pro382= (NM_001321282.2); c.2232C>G, p.Pro744= (NM_001321283.2); c.1692C>G, p.Pro564= (NM_001321285.2).
Identifiers: ClinVar variation 1582270 (VCV001582270.12), dbSNP rs202245171, ClinGen allele CA9569635.

ClinVar aggregate classification (germline): Likely benign. Review status: criteria provided, multiple submitters, no conflicts (2 of 4 stars). 3 submissions from 3 submitters: Likely benign (2). 1 of the submissions does not count toward it. Last evaluated 2024-10-02.

Conditions:
TRPM4-related disorder. Also called: TRPM4-related condition; TRPM4-related disorders. Identifiers: MedGen CN239424.
Cardiovascular phenotype. Identifiers: MedGen CN230736.
Progressive familial heart block type IB (PFHB1B). Identifiers: Orphanet 871, MedGen C1970298, MONDO:0011474, OMIM 604559.

Allele frequency attached by ClinVar (database versions not stated): gnomAD exomes below 0.00001 and 0.00001; ExAC 0.00001.

Submissions (3):

Labcorp Genetics (formerly Invitae), Labcorp
Classification: Likely benign for Progressive familial heart block type IB. Last evaluated: 2024-10-02. Review status: criteria provided, single submitter. Criteria: Invitae Variant Classification Sherloc (09022015). Collection method: clinical testing. Allele origin: germline.

Ambry Genetics
Classification: Likely benign for Cardiovascular phenotype. Last evaluated: 2021-05-28. Review status: criteria provided, single submitter. Criteria: Ambry Variant Classification Scheme 2023. Collection method: clinical testing. Allele origin: germline.

PreventionGenetics, part of Exact Sciences
Classification: Likely benign for TRPM4-related condition. Last evaluated: 2022-05-11. Review status: no assertion criteria provided. Collection method: clinical testing. Allele origin: germline. Not counted in ClinVar's aggregate classification.
Comment: This variant is classified as likely benign based on ACMG/AMP sequence variant interpretation guidelines (Richards et al. 2015 PMID: 25741868, with internal and published modifications).